The following is an entry in ClinVar:

NM_001112741.2(KCNC1):c.683G>A (p.Arg228His)

Gene: KCNC1 (potassium voltage-gated channel subfamily C member 1; plus strand). Cytogenetic location: 11p15.1.
Variant type: single nucleotide variant.
Coding change: c.683G>A on transcript NM_001112741.2 (MANE Select); coding-DNA position 683, G replaced by A.
Protein change: p.Arg228His; replaces arginine 228 with histidine.
Molecular consequence: missense variant.
Genome position (GRCh38, 1-based): chr11:17,771,777, G>A. VCF-style: chr11-17771777-G-A. GRCh37 (hg19) VCF-style: chr11-17793324-G-A.
Other names: c.683G>A, p.Arg228His (NM_004976.4); short protein forms R228H.
Identifiers: ClinVar variation 845316 (VCV000845316.8), dbSNP rs200873319, ClinGen allele CA5906717.

ClinVar aggregate classification (germline): Uncertain significance (1 of 4 stars; one submission).

Conditions:
Progressive myoclonic epilepsy type 7. Identifiers: Orphanet 435438, MedGen C4015420, MONDO:0014521, OMIM 616187.

Allele frequency attached by ClinVar (database versions not stated): TOPMed 0.00004.
gnomAD v4.1: 51 of 1,614,114 alleles (0.0032%); highest among the groups gnomAD compares: East Asian, 0.013%; no homozygotes.

Submission:

Labcorp Genetics (formerly Invitae), Labcorp
Classification: Uncertain significance for Progressive myoclonic epilepsy type 7. Last evaluated: 2025-03-23. Review status: criteria provided, single submitter. Criteria: Invitae Variant Classification Sherloc (09022015). Collection method: clinical testing. Allele origin: germline.
Comment: This sequence change replaces arginine, which is basic and polar, with histidine, which is basic and polar, at codon 228 of the KCNC1 protein (p.Arg228His). This variant is present in population databases (rs200873319, gnomAD 0.02%). This variant has not been reported in the literature in individuals affected with KCNC1-related conditions. ClinVar contains an entry for this variant (Variation ID: 845316). Invitae Evidence Modeling of protein sequence and biophysical properties (such as structural, functional, and spatial information, amino acid conservation, physicochemical variation, residue mobility, and thermodynamic stability) indicates that this missense variant is not expected to disrupt KCNC1 protein function with a negative predictive value of 95%. In summary, the available evidence is currently insufficient to determine the role of this variant in disease. Therefore, it has been classified as a Variant of Uncertain Significance.